The following is an entry in ClinVar:

NM_201384.3(PLEC):c.8545G>A (p.Asp2849Asn)

Gene: PLEC (plectin; minus strand). Cytogenetic location: 8q24.3.
Variant type: single nucleotide variant.
Coding change: c.8545G>A on transcript NM_201384.3 (MANE Select); coding-DNA position 8545, G replaced by A.
Protein change: p.Asp2849Asn; replaces aspartic acid 2849 with asparagine.
Molecular consequence: missense variant.
Genome position (GRCh38, 1-based): chr8:143,921,276, C>T on the plus strand (G>A on the coding strand, the complement: PLEC is on the minus strand). VCF-style: chr8-143921276-C-T. GRCh37 (hg19) VCF-style: chr8-144995444-C-T.
Other names: c.8626G>A, p.Asp2876Asn (NM_000445.5); c.8503G>A, p.Asp2835Asn (NM_201378.4); c.8479G>A, p.Asp2827Asn (NM_201379.3); c.8956G>A, p.Asp2986Asn (NM_201380.4); c.8449G>A, p.Asp2817Asn (NM_201381.3); c.8545G>A, p.Asp2849Asn (NM_201382.4); c.8557G>A, p.Asp2853Asn (NM_201383.3); short protein forms D2849N, D2853N, D2817N, D2876N, D2986N, D2827N, D2835N.
Identifiers: ClinVar variation 471664 (VCV000471664.11), dbSNP rs200360391, ClinGen allele CA4925269.

ClinVar aggregate classification (germline): Uncertain significance. Review status: criteria provided, multiple submitters, no conflicts (2 of 4 stars). 3 submissions from 3 submitters: Uncertain significance (3). Last evaluated 2025-12-15.

Conditions:
Epidermolysis bullosa simplex with nail dystrophy (EBS5D). Identifiers: MedGen C4225309, MONDO:0014661, OMIM 616487.
Epidermolysis bullosa simplex, Ogna type (EBS5A). Also called: Pidermolysis bullosa simplex 5A, Ogna type; EPIDERMOLYSIS BULLOSA SIMPLEX 5A, OGNA TYPE. Identifiers: Orphanet 79401, MedGen C0432317, MONDO:0007555, OMIM 131950.
Autosomal recessive limb-girdle muscular dystrophy type 2Q (LGMDR17). Also called: MUSCULAR DYSTROPHY, LIMB-GIRDLE, AUTOSOMAL RECESSIVE 17. Identifiers: Orphanet 254361, MedGen C3150989, MONDO:0013390, OMIM 613723.
Epidermolysis bullosa simplex 5C, with pyloric atresia (EBS5C). Also called: PLEC-Related Epidermolysis Bullosa with Pyloric Atresia; Epidermolysis bullosa simplex with pyloric atresia; PLEC1-Related Epidermolysis Bullosa with Pyloric Atresia. Identifiers: Orphanet 158684, MedGen C2677349, MONDO:0012807, OMIM 612138.
Epidermolysis bullosa simplex 5B, with muscular dystrophy (EBS5B). Also called: EPIDERMOLYSIS BULLOSA SIMPLEX AND LIMB-GIRDLE MUSCULAR DYSTROPHY; Epidermolysis bullosa simplex with muscular dystrophy. Identifiers: Orphanet 257, MedGen C2931072, MONDO:0009181, OMIM 226670.
Inborn genetic diseases. Identifiers: MedGen C0950123, MeSH D030342.

Allele frequency attached by ClinVar (database versions not stated): gnomAD exomes 0.00004 and 0.00015; gnomAD 0.00009; ExAC 0.00013; TOPMed 0.00014; ESP Exome Variant Server 0.00024.
gnomAD v4.1: 78 of 1,613,984 alleles (0.0048%); highest among the groups gnomAD compares: East Asian, 0.038%; no homozygotes.

Submissions (3):

Labcorp Genetics (formerly Invitae), Labcorp
Classification: Uncertain significance for Autosomal recessive limb-girdle muscular dystrophy type 2Q; Epidermolysis bullosa simplex, Ogna type; Epidermolysis bullosa simplex with nail dystrophy; Epidermolysis bullosa simplex 5C, with pyloric atresia; Epidermolysis bullosa simplex 5B, with muscular dystrophy. Last evaluated: 2025-12-15. Review status: criteria provided, single submitter. Criteria: Invitae Variant Classification Sherloc (09022015). Collection method: clinical testing. Allele origin: germline.
Comment: This sequence change replaces aspartic acid, which is acidic and polar, with asparagine, which is neutral and polar, at codon 2876 of the PLEC protein (p.Asp2876Asn). This variant is present in population databases (rs200360391, gnomAD 0.1%). This variant has not been reported in the literature in individuals affected with PLEC-related conditions. ClinVar contains an entry for this variant (Variation ID: 471664). An algorithm developed to predict the effect of missense changes on protein structure and function (PolyPhen-2) suggests that this variant is likely to be disruptive. In summary, the available evidence is currently insufficient to determine the role of this variant in disease. Therefore, it has been classified as a Variant of Uncertain Significance.

Ambry Genetics
Classification: Uncertain significance for Inborn genetic diseases. Last evaluated: 2025-12-04. Review status: criteria provided, single submitter. Criteria: Ambry Variant Classification Scheme 2023. Collection method: clinical testing. Allele origin: germline.

Athena Diagnostics
Classification: Uncertain significance. Last evaluated: 2018-10-22. Review status: criteria provided, single submitter. Criteria: Athena Diagnostics Criteria. Collection method: clinical testing. Allele origin: germline.